The following is an entry in ClinVar:

NM_000020.3(ACVRL1):c.1445C>A (p.Ala482Glu)

Gene: ACVRL1 (activin A receptor like type 1; plus strand). Cytogenetic location: 12q13.13.
Variant type: single nucleotide variant.
Coding change: c.1445C>A on transcript NM_000020.3 (MANE Select); coding-DNA position 1445, C replaced by A.
Protein change: p.Ala482Glu; replaces alanine 482 with glutamic acid.
Molecular consequence: missense variant.
Genome position (GRCh38, 1-based): chr12:51,920,826, C>A. VCF-style: chr12-51920826-C-A. GRCh37 (hg19) VCF-style: chr12-52314610-C-A.
Other names: c.1445C>A, p.Ala482Glu (NM_001077401.2, NM_001406487.1); c.1289C>A, p.Ala430Glu (NM_001406490.1); c.1133C>A, p.Ala378Glu (NM_001406491.1, NM_001406492.1); c.935C>A, p.Ala312Glu (NM_001406494.1); c.881C>A, p.Ala294Glu (NM_001406495.1); short protein forms A482E, A312E, A294E, A430E, A378E.
Identifiers: ClinVar variation 2735880 (VCV002735880.3), dbSNP rs139142865, ClinGen allele CA384905746.

ClinVar aggregate classification (germline): Pathogenic (1 of 4 stars; one submission).

Conditions:
Telangiectasia, hereditary hemorrhagic, type 2 (HHT2). Also called: ACVRL1-Related Hereditary Hemorrhagic Telangiectasia; Telangiectasia, hereditary hemorrhagic, type II. Identifiers: Orphanet 774, MedGen C1838163, MONDO:0010880, OMIM 600376. Disease mechanism: loss of function.

Submission:

Labcorp Genetics (formerly Invitae), Labcorp
Classification: Pathogenic for Telangiectasia, hereditary hemorrhagic, type 2. Last evaluated: 2023-11-29. Review status: criteria provided, single submitter. Criteria: Invitae Variant Classification Sherloc (09022015). Collection method: clinical testing. Allele origin: germline.
Comment: This sequence change replaces alanine, which is neutral and non-polar, with glutamic acid, which is acidic and polar, at codon 482 of the ACVRL1 protein (p.Ala482Glu). This variant is not present in population databases (gnomAD no frequency). This missense change has been observed in individuals with hereditary hemorrhagic telangiectasia (PMID: 17786384, 21158752; Invitae). Advanced modeling of protein sequence and biophysical properties (such as structural, functional, and spatial information, amino acid conservation, physicochemical variation, residue mobility, and thermodynamic stability) performed at Invitae indicates that this missense variant is expected to disrupt ACVRL1 protein function with a positive predictive value of 95%. For these reasons, this variant has been classified as Pathogenic.

Literature cited by the submitters: PubMed 17786384; PubMed 21158752.